The following is an entry in ClinVar:

NM_001365999.1(SZT2):c.7954C>A (p.Leu2652Ile)

Gene: SZT2 (SZT2 subunit of KICSTOR complex; plus strand). Cytogenetic location: 1p34.2.
Variant type: single nucleotide variant.
Coding change: c.7954C>A on transcript NM_001365999.1 (MANE Select); coding-DNA position 7954, C replaced by A.
Protein change: p.Leu2652Ile; replaces leucine 2652 with isoleucine.
Molecular consequence: missense variant.
Genome position (GRCh38, 1-based): chr1:43,442,348, C>A. VCF-style: chr1-43442348-C-A. GRCh37 (hg19) VCF-style: chr1-43908019-C-A.
Other names: c.7783C>A, p.Leu2595Ile (NM_015284.4); short protein forms L2652I, L2595I.
Identifiers: ClinVar variation 1406418 (VCV001406418.6), dbSNP rs1655156906, ClinGen allele CA340037198.

ClinVar aggregate classification (germline): Uncertain significance (1 of 4 stars; one submission).

Submission:

Labcorp Genetics (formerly Invitae), Labcorp
Classification: Uncertain significance. Last evaluated: 2021-09-14. Review status: criteria provided, single submitter. Criteria: Invitae Variant Classification Sherloc (09022015). Collection method: clinical testing. Allele origin: germline.
Comment: This sequence change replaces leucine with isoleucine at codon 2595 of the SZT2 protein (p.Leu2595Ile). The leucine residue is highly conserved and there is a small physicochemical difference between leucine and isoleucine. This variant is not present in population databases (ExAC no frequency). This variant has not been reported in the literature in individuals affected with SZT2-related conditions. Algorithms developed to predict the effect of missense changes on protein structure and function are either unavailable or do not agree on the potential impact of this missense change (SIFT: "Tolerated"; PolyPhen-2: "Possibly Damaging"; Align-GVGD: "Class C0"). In summary, the available evidence is currently insufficient to determine the role of this variant in disease. Therefore, it has been classified as a Variant of Uncertain Significance.